The following is an entry in ClinVar:

NM_024884.3(L2HGDH):c.118G>C (p.Gly40Arg)

Genes: DMAC2L (distal membrane arm assembly component 2 like; plus strand), L2HGDH (L-2-hydroxyglutarate dehydrogenase; minus strand). Cytogenetic location: 14q21.3.
Variant type: single nucleotide variant.
Coding change: c.118G>C on transcript NM_024884.3 (MANE Select); coding-DNA position 118, G replaced by C.
Protein change: p.Gly40Arg; replaces glycine 40 with arginine.
Molecular consequence: missense variant. On other transcripts: 5 prime UTR variant (6), intron variant (1).
Genome position (GRCh38, 1-based): chr14:50,312,033, C>G on the plus strand (G>C on the coding strand, the complement: L2HGDH is on the minus strand). VCF-style: chr14-50312033-C-G. GRCh37 (hg19) VCF-style: chr14-50778751-C-G.
Other names: c.-137G>C (NM_001425214.1, NM_001425213.1); c.-651G>C (NM_001425215.1); c.-493G>C (NM_001425216.1); c.-586G>C (NM_001425217.1); c.-508G>C (NM_001425218.1); c.-6+179C>G (NM_001382509.1); c.118G>C, p.Gly40Arg (NM_001425212.1); short protein forms G40R.
Identifiers: ClinVar variation 1010586 (VCV001010586.8), dbSNP rs1184011271, ClinGen allele CA389648743.

ClinVar aggregate classification (germline): Uncertain significance (1 of 4 stars; one submission).

Conditions:
L-2-hydroxyglutaric aciduria (L2HGA). Identifiers: Orphanet 79314, MedGen C1855995, MONDO:0009370, OMIM 236792, HP:0040144.

Allele frequency attached by ClinVar (database versions not stated): gnomAD exomes 0.00001; TOPMed 0.00001; gnomAD 0.00002.
gnomAD v4.1: 19 of 1,578,912 alleles (0.0012%); highest among the groups gnomAD compares: Non-Finnish European, 0.0015%; no homozygotes.

Submission:

Labcorp Genetics (formerly Invitae), Labcorp
Classification: Uncertain significance for L-2-hydroxyglutaric aciduria. Last evaluated: 2024-11-05. Review status: criteria provided, single submitter. Criteria: Invitae Variant Classification Sherloc (09022015). Collection method: clinical testing. Allele origin: germline.
Comment: This sequence change replaces glycine, which is neutral and non-polar, with arginine, which is basic and polar, at codon 40 of the L2HGDH protein (p.Gly40Arg). This variant is present in population databases (no rsID available, gnomAD 0.001%). This variant has not been reported in the literature in individuals affected with L2HGDH-related conditions. ClinVar contains an entry for this variant (Variation ID: 1010586). Invitae Evidence Modeling of protein sequence and biophysical properties (such as structural, functional, and spatial information, amino acid conservation, physicochemical variation, residue mobility, and thermodynamic stability) indicates that this missense variant is not expected to disrupt L2HGDH protein function with a negative predictive value of 95%. In summary, the available evidence is currently insufficient to determine the role of this variant in disease. Therefore, it has been classified as a Variant of Uncertain Significance.